The following is an entry in ClinVar:

ClinVar aggregate classification (germline): Uncertain significance (1 of 4 stars; one submission).

gnomAD v4.1: 7 of 1,613,770 alleles (0.00043%); highest among the groups gnomAD compares: Non-Finnish European, 0.00059%; no homozygotes.

Submission:

Dasa
Classification: Uncertain significance. Last evaluated: 2026-01-15. Review status: criteria provided, single submitter. Criteria: DASA Assertion Criteria. Collection method: clinical testing. Allele origin: germline.
Comment: NM_006035.4(CDC42BPB):c.1568A>T (p.Asp523Val) is a missense variant that results in the substitution of aspartic acid with valine. This variant is rare in population databases. The currently available literature and clinical evidence are not sufficient to establish a definitive association between this variant and the reported condition. Therefore, this variant is classified as a variant of uncertain significance.

NM_006035.4(CDC42BPB):c.1568A>T (p.Asp523Val)

Gene: CDC42BPB (CDC42 binding protein kinase beta; minus strand). Cytogenetic location: 14q32.32.
Variant type: single nucleotide variant.
Coding change: c.1568A>T on transcript NM_006035.4 (MANE Select); coding-DNA position 1568, A replaced by T.
Protein change: p.Asp523Val; replaces aspartic acid 523 with valine.
Molecular consequence: missense variant.
Genome position (GRCh38, 1-based): chr14:102,974,089, T>A on the plus strand (A>T on the coding strand, the complement: CDC42BPB is on the minus strand). VCF-style: chr14-102974089-T-A. GRCh37 (hg19) VCF-style: chr14-103440426-T-A.
Other names: c.1568A>T, p.Asp523Val (NM_001411054.1); short protein forms D523V.
Identifiers: ClinVar variation 4882946 (VCV004882946.2).